The following is an entry in ClinVar:

NM_024408.4(NOTCH2):c.3260G>A (p.Cys1087Tyr)

Gene: NOTCH2 (notch receptor 2; minus strand). Cytogenetic location: 1p12.
Variant type: single nucleotide variant.
Coding change: c.3260G>A on transcript NM_024408.4 (MANE Select); coding-DNA position 3260, G replaced by A.
Protein change: p.Cys1087Tyr; replaces cysteine 1087 with tyrosine.
Molecular consequence: missense variant.
Genome position (GRCh38, 1-based): chr1:119,937,934, C>T on the plus strand (G>A on the coding strand, the complement: NOTCH2 is on the minus strand). VCF-style: chr1-119937934-C-T. GRCh37 (hg19) VCF-style: chr1-120480557-C-T.
Other names: c.3260G>A, p.Cys1087Tyr (NM_001200001.2); short protein forms C1087Y.
Identifiers: ClinVar variation 3646393 (VCV003646393.2).

ClinVar aggregate classification (germline): Uncertain significance (1 of 4 stars; one submission).

Conditions:
Hajdu-Cheney syndrome (HJCYS). Also called: ACROOSTEOLYSIS WITH OSTEOPOROSIS AND CHANGES IN SKULL AND MANDIBLE; SERPENTINE FIBULA-POLYCYSTIC KIDNEY SYNDROME; Acroosteolysis dominant type. Identifiers: Orphanet 955, MedGen C0917715, MONDO:0007057, OMIM 102500.

Submission:

Labcorp Genetics (formerly Invitae), Labcorp
Classification: Uncertain significance for Hajdu-Cheney syndrome. Last evaluated: 2024-03-18. Review status: criteria provided, single submitter. Criteria: Invitae Variant Classification Sherloc (09022015). Collection method: clinical testing. Allele origin: germline.
Comment: This sequence change replaces cysteine, which is neutral and slightly polar, with tyrosine, which is neutral and polar, at codon 1087 of the NOTCH2 protein (p.Cys1087Tyr). This variant is not present in population databases (gnomAD no frequency). This variant has not been reported in the literature in individuals affected with NOTCH2-related conditions. Advanced modeling of protein sequence and biophysical properties (such as structural, functional, and spatial information, amino acid conservation, physicochemical variation, residue mobility, and thermodynamic stability) performed at Invitae indicates that this missense variant is expected to disrupt NOTCH2 protein function with a positive predictive value of 80%. In summary, the available evidence is currently insufficient to determine the role of this variant in disease. Therefore, it has been classified as a Variant of Uncertain Significance.